The following is an entry in ClinVar:

NM_006158.5(NEFL):c.1342C>A (p.Gln448Lys)

Gene: NEFL (neurofilament light chain; minus strand). Cytogenetic location: 8p21.2.
Variant type: single nucleotide variant.
Coding change: c.1342C>A on transcript NM_006158.5 (MANE Select); coding-DNA position 1342, C replaced by A.
Protein change: p.Gln448Lys; replaces glutamine 448 with lysine.
Molecular consequence: missense variant.
Genome position (GRCh38, 1-based): chr8:24,953,623, G>T on the plus strand (C>A on the coding strand, the complement: NEFL is on the minus strand). VCF-style: chr8-24953623-G-T. GRCh37 (hg19) VCF-style: chr8-24811137-G-T.
Other names: short protein forms Q448K.
Identifiers: ClinVar variation 3691829 (VCV003691829.2).

ClinVar aggregate classification (germline): Uncertain significance (1 of 4 stars; one submission).

Conditions:
Charcot-Marie-Tooth disease type 2E (CMT2E). Also called: CHARCOT-MARIE-TOOTH NEUROPATHY, TYPE 2E; CHARCOT-MARIE-TOOTH DISEASE, AXONAL, TYPE 2E. Identifiers: Orphanet 99939, MedGen C1843225, MONDO:0011894, OMIM 607684.

Submission:

Labcorp Genetics (formerly Invitae), Labcorp
Classification: Uncertain significance for Charcot-Marie-Tooth disease type 2E. Last evaluated: 2024-03-03. Review status: criteria provided, single submitter. Criteria: Invitae Variant Classification Sherloc (09022015). Collection method: clinical testing. Allele origin: germline.
Comment: This sequence change replaces glutamine, which is neutral and polar, with lysine, which is basic and polar, at codon 448 of the NEFL protein (p.Gln448Lys). This variant is not present in population databases (gnomAD no frequency). This variant has not been reported in the literature in individuals affected with NEFL-related conditions. Advanced modeling of protein sequence and biophysical properties (such as structural, functional, and spatial information, amino acid conservation, physicochemical variation, residue mobility, and thermodynamic stability) has been performed at Invitae for this missense variant, however the output from this modeling did not meet the statistical confidence thresholds required to predict the impact of this variant on NEFL protein function. In summary, the available evidence is currently insufficient to determine the role of this variant in disease. Therefore, it has been classified as a Variant of Uncertain Significance.